The following is an entry in ClinVar:

NM_003573.2(LTBP4):c.17-1969C>A

Gene: LTBP4 (latent transforming growth factor beta binding protein 4; plus strand). Cytogenetic location: 19q13.2.
Variant type: single nucleotide variant.
Coding change: c.17-1969C>A on transcript NM_003573.2; 1969 bases into the intron before coding-DNA position 17, C replaced by A.
Molecular consequence: intron variant.
Genome position (GRCh38, 1-based): chr19:40,597,228, C>A. VCF-style: chr19-40597228-C-A. GRCh37 (hg19) VCF-style: chr19-41103134-C-A.
Identifiers: ClinVar variation 3349609 (VCV003349609.1).

ClinVar aggregate classification (germline): Likely benign (0 of 4 stars; one submission).

Conditions:
LTBP4-related disorder. Also called: LTBP4-related condition.

gnomAD v4.1: 646 of 1,481,034 alleles (0.044%); highest among the groups gnomAD compares: Non-Finnish European, 0.056%; 1 homozygote.

Submission:

PreventionGenetics, part of Exact Sciences
Classification: Likely benign for LTBP4-related condition. Last evaluated: 2024-06-26. Review status: no assertion criteria provided. Collection method: clinical testing. Allele origin: germline.
Comment: This variant is classified as likely benign based on ACMG/AMP sequence variant interpretation guidelines (Richards et al. 2015 PMID: 25741868, with internal and published modifications).